The following is an entry in ClinVar:

NM_014141.6(CNTNAP2):c.3167G>C (p.Ser1056Thr)

Gene: CNTNAP2 (contactin associated protein 2; plus strand). Cytogenetic location: 7q36.1.
Variant type: single nucleotide variant.
Coding change: c.3167G>C on transcript NM_014141.6 (MANE Select); coding-DNA position 3167, G replaced by C.
Protein change: p.Ser1056Thr; replaces serine 1056 with threonine.
Molecular consequence: missense variant.
Genome position (GRCh38, 1-based): chr7:148,217,444, G>C. VCF-style: chr7-148217444-G-C. GRCh37 (hg19) VCF-style: chr7-147914536-G-C.
Other names: p.S1056T:AGC>ACC; short protein forms S1056T.
Identifiers: ClinVar variation 205281 (VCV000205281.7), dbSNP rs776326011, ClinGen allele CA314196.

ClinVar aggregate classification (germline): Uncertain significance. Review status: criteria provided, multiple submitters, no conflicts (2 of 4 stars). 3 submissions from 3 submitters: Uncertain significance (3). Last evaluated 2025-11-20.

Conditions:
Inborn genetic diseases. Identifiers: MedGen C0950123, MeSH D030342.
Cortical dysplasia-focal epilepsy syndrome (PTHSL1). Also called: Pitt-Hopkins-like syndrome 1. Identifiers: Orphanet 163681, Orphanet 221150, MedGen C2750246, MONDO:0012400, OMIM 610042.

Allele frequency attached by ClinVar (database versions not stated): gnomAD exomes 0.00001 and 0.00004; gnomAD 0.00002.
gnomAD v4.1: 54 of 1,614,036 alleles (0.0033%); highest among the groups gnomAD compares: Non-Finnish European, 0.0046%; no homozygotes.

Submissions (3):

Ambry Genetics
Classification: Uncertain significance for Inborn genetic diseases. Last evaluated: 2025-11-20. Review status: criteria provided, single submitter. Criteria: Ambry Variant Classification Scheme 2023. Collection method: clinical testing. Allele origin: germline.

Labcorp Genetics (formerly Invitae), Labcorp
Classification: Uncertain significance for Cortical dysplasia-focal epilepsy syndrome. Last evaluated: 2021-10-15. Review status: criteria provided, single submitter. Criteria: Invitae Variant Classification Sherloc (09022015). Collection method: clinical testing. Allele origin: germline.
Comment: This variant is not present in population databases (ExAC no frequency). This sequence change replaces serine with threonine at codon 1056 of the CNTNAP2 protein (p.Ser1056Thr). The serine residue is highly conserved and there is a small physicochemical difference between serine and threonine. This variant has not been reported in the literature in individuals affected with CNTNAP2-related conditions. In summary, the available evidence is currently insufficient to determine the role of this variant in disease. Therefore, it has been classified as a Variant of Uncertain Significance. Algorithms developed to predict the effect of missense changes on protein structure and function (SIFT, PolyPhen-2, Align-GVGD) all suggest that this variant is likely to be disruptive. ClinVar contains an entry for this variant (Variation ID: 205281).

GeneDx
Classification: Uncertain significance. Last evaluated: 2014-01-22. Review status: criteria provided, single submitter. Criteria: GeneDx Variant Classification (06012015). Collection method: clinical testing. Allele origin: germline. Affected: yes.
Comment: p.S1056T (AGC>ACC):c.3167G>C in CNTNAP2 gene (NM_014141.5). The Ser1056Thr missense change has not been published as a mutation, nor has it been reported as a benign polymorphism to our knowledge. It was not observed in approximately 6,500 individuals of European and African American ancestry in the NHLBI Exome Sequencing Project, indicating it is not a common benign variant in these populations. Ser1056Thr alters a well conserved position in the Laminin G-like 4 domain of the CNTNAP2 protein. However, no other nearby missense mutations have been reported to our knowledge and this variant is a conservative substitution of one uncharged polar amino acid for another. In addition, in silico analysis is inconsistent with regard to the effect this variant may have on the protein structure/function. The variant is found in CHILD-EPI panel(s).